The following is an entry in ClinVar:

NM_145020.5(CFAP53):c.292C>T (p.Arg98Ter)

Gene: CFAP53 (cilia and flagella associated protein 53; minus strand). Cytogenetic location: 18q21.1.
Variant type: single nucleotide variant.
Coding change: c.292C>T on transcript NM_145020.5 (MANE Select); coding-DNA position 292, C replaced by T.
Protein change: p.Arg98Ter; replaces arginine 98 with a stop codon.
Molecular consequence: nonsense.
Genome position (GRCh38, 1-based): chr18:50,261,997, G>A on the plus strand (C>T on the coding strand, the complement: CFAP53 is on the minus strand). VCF-style: chr18-50261997-G-A. GRCh37 (hg19) VCF-style: chr18-47788367-G-A.
Other names: short protein forms R98*.
Identifiers: ClinVar variation 4939064 (VCV004939064.3).

ClinVar aggregate classification (germline): Conflicting classifications of pathogenicity. Review status: criteria provided, conflicting classifications (1 of 4 stars). 2 submissions from 2 submitters: Likely pathogenic (1); Uncertain significance (1). Last evaluated 2024-10-30.

Conditions:
Heterotaxy, visceral, 6, autosomal (HTX6). Also called: Heterotaxy, visceral, 6, autosomal recessive. Identifiers: Orphanet 450, MedGen C3553676, MONDO:0013887, OMIM 614779.

gnomAD v4.1: 41 of 1,602,790 alleles (0.0026%); highest among the groups gnomAD compares: East Asian, 0.013%; no homozygotes.

Submissions (2):

Blueprint Genetics
Classification: Uncertain significance. Last evaluated: 2024-10-30. Review status: criteria provided, single submitter. Criteria: ACMG Guidelines, 2015. Collection method: clinical testing. Allele origin: germline.

Juno Genomics, Hangzhou Juno Genomics, Inc
Classification: Likely pathogenic for Heterotaxy, visceral, 6, autosomal. Review status: criteria provided, single submitter. Criteria: ACMG Guidelines, 2015. Collection method: clinical testing. Allele origin: germline.
Comment: Null variant in a gene where loss of function (LOF) is a known mechanism of disease.;Absent from controls (or at extremely low frequency if recessive) in Genome Aggregation Database.